The following is an entry in ClinVar:

ClinVar aggregate classification (germline): Uncertain significance (1 of 4 stars; one submission).

Conditions:
Hereditary cancer-predisposing syndrome. Also called: Hereditary Cancer Syndrome; Hereditary neoplastic syndrome; Neoplastic Syndromes, Hereditary; Tumor predisposition. Identifiers: Orphanet 140162, MedGen C0027672, MeSH D009386, MONDO:0015356.

Submission:

Ambry Genetics
Classification: Uncertain significance for Hereditary cancer-predisposing syndrome. Last evaluated: 2021-09-30. Review status: criteria provided, single submitter. Criteria: Ambry Variant Classification Scheme 2023. Collection method: clinical testing. Allele origin: germline.
Comment: The p.D144E variant (also known as c.432T>G), located in coding exon 3 of the PDGFRA gene, results from a T to G substitution at nucleotide position 432. The aspartic acid at codon 144 is replaced by glutamic acid, an amino acid with highly similar properties. This amino acid position is conserved. In addition, this alteration is predicted to be tolerated by in silico analysis. Since supporting evidence is limited at this time, the clinical significance of this alteration remains unclear.

NM_006206.6(PDGFRA):c.432T>G (p.Asp144Glu)

Gene: PDGFRA (platelet derived growth factor receptor alpha; plus strand). Cytogenetic location: 4q12.
Variant type: single nucleotide variant.
Coding change: c.432T>G on transcript NM_006206.6 (MANE Select); coding-DNA position 432, T replaced by G.
Protein change: p.Asp144Glu; replaces aspartic acid 144 with glutamic acid.
Molecular consequence: missense variant.
Genome position (GRCh38, 1-based): chr4:54,263,731, T>G. VCF-style: chr4-54263731-T-G. GRCh37 (hg19) VCF-style: chr4-55129898-T-G.
Other names: c.432T>G, p.Asp144Glu (NM_001347827.2, NM_001347829.2); c.507T>G, p.Asp169Glu (NM_001347828.2); c.471T>G, p.Asp157Glu (NM_001347830.2); short protein forms D144E, D169E, D157E.
Identifiers: ClinVar variation 1739788 (VCV001739788.2), dbSNP rs2110251258, ClinGen allele CA356889814.